The following is an entry in ClinVar:

ClinVar aggregate classification (germline): Uncertain significance (1 of 4 stars; one submission).

Allele frequency attached by ClinVar (database versions not stated): gnomAD 0.00001.
gnomAD v4.1: 1 of 1,613,988 alleles (0.000062%); highest among the groups gnomAD compares: Admixed American, 0.0017%; no homozygotes.

Submission:

Ambry Genetics
Classification: Uncertain significance. Last evaluated: 2021-08-21. Review status: criteria provided, single submitter. Criteria: Ambry Variant Classification Scheme 2023. Collection method: clinical testing. Allele origin: germline.
Comment: The p.P455L variant (also known as c.1364C>T), located in coding exon 3 of the ALPK2 gene, results from a C to T substitution at nucleotide position 1364. The proline at codon 455 is replaced by leucine, an amino acid with similar properties. This amino acid position is conserved. In addition, this alteration is predicted to be tolerated by in silico analysis. Since supporting evidence is limited at this time, the clinical significance of this alteration remains unclear.

NM_052947.4(ALPK2):c.1364C>T (p.Pro455Leu)

Gene: ALPK2 (alpha kinase 2; minus strand). Cytogenetic location: 18q21.31.
Variant type: single nucleotide variant.
Coding change: c.1364C>T on transcript NM_052947.4 (MANE Select); coding-DNA position 1364, C replaced by T.
Protein change: p.Pro455Leu; replaces proline 455 with leucine.
Molecular consequence: missense variant.
Genome position (GRCh38, 1-based): chr18:58,579,412, G>A on the plus strand (C>T on the coding strand, the complement: ALPK2 is on the minus strand). VCF-style: chr18-58579412-G-A. GRCh37 (hg19) VCF-style: chr18-56246644-G-A.
Other names: short protein forms P455L.
Identifiers: ClinVar variation 1770899 (VCV001770899.2), dbSNP rs2051942651, ClinGen allele CA402563345.